The following is an entry in ClinVar:

NM_015046.7(SETX):c.4972G>A (p.Val1658Ile)

Gene: SETX (senataxin; minus strand). Cytogenetic location: 9q34.13.
Variant type: single nucleotide variant.
Coding change: c.4972G>A on transcript NM_015046.7 (MANE Select); coding-DNA position 4972, G replaced by A.
Protein change: p.Val1658Ile; replaces valine 1658 with isoleucine.
Molecular consequence: missense variant.
Genome position (GRCh38, 1-based): chr9:132,326,626, C>T on the plus strand (G>A on the coding strand, the complement: SETX is on the minus strand). VCF-style: chr9-132326626-C-T. GRCh37 (hg19) VCF-style: chr9-135202013-C-T.
Other names: c.4972G>A, p.Val1658Ile (NM_001351527.2, NM_001351528.2); short protein forms V1658I.
Identifiers: ClinVar variation 2159108 (VCV002159108.5), dbSNP rs1382407439, ClinGen allele CA375322872.

ClinVar aggregate classification (germline): Conflicting classifications of pathogenicity. Review status: criteria provided, conflicting classifications (1 of 4 stars). 2 submissions from 2 submitters: Uncertain significance (1); Likely benign (1). Last evaluated 2024-12-23.

Conditions:
Inborn genetic diseases. Identifiers: MedGen C0950123, MeSH D030342.
Amyotrophic lateral sclerosis type 4 (ALS4). Also called: AMYOTROPHIC LATERAL SCLEROSIS 4, JUVENILE; NEURONOPATHY, DISTAL HEREDITARY MOTOR, WITH PYRAMIDAL FEATURES. Identifiers: Orphanet 357043, MedGen C1865409, MONDO:0011223, OMIM 602433.
Spinocerebellar ataxia, autosomal recessive, with axonal neuropathy 2 (SCAN2). Also called: Ataxia with Oculomotor Apraxia; Ataxia with Oculomotor Apraxia Type 2; Ataxia-ocular apraxia-2; ATAXIA-OCULOMOTOR APRAXIA 2. Identifiers: Orphanet 64753, MedGen C1853761, MONDO:0018996, OMIM 606002.

Allele frequency attached by ClinVar (database versions not stated): gnomAD exomes below 0.00001; gnomAD 0.00001; TOPMed 0.00001.
gnomAD v4.1: 9 of 1,614,092 alleles (0.00056%); highest among the groups gnomAD compares: African/African-American, 0.0013%; no homozygotes.

Submissions (2):

Ambry Genetics
Classification: Likely benign for Inborn genetic diseases. Last evaluated: 2024-12-23. Review status: criteria provided, single submitter. Criteria: Ambry Variant Classification Scheme 2023. Collection method: clinical testing. Allele origin: germline.

Labcorp Genetics (formerly Invitae), Labcorp
Classification: Uncertain significance for Amyotrophic lateral sclerosis type 4; Spinocerebellar ataxia, autosomal recessive, with axonal neuropathy 2. Last evaluated: 2022-09-14. Review status: criteria provided, single submitter. Criteria: Invitae Variant Classification Sherloc (09022015). Collection method: clinical testing. Allele origin: germline.
Comment: This sequence change replaces valine, which is neutral and non-polar, with isoleucine, which is neutral and non-polar, at codon 1658 of the SETX protein (p.Val1658Ile). This variant is not present in population databases (gnomAD no frequency). This variant has not been reported in the literature in individuals affected with SETX-related conditions. Advanced modeling of protein sequence and biophysical properties (such as structural, functional, and spatial information, amino acid conservation, physicochemical variation, residue mobility, and thermodynamic stability) performed at Invitae indicates that this missense variant is not expected to disrupt SETX protein function. In summary, the available evidence is currently insufficient to determine the role of this variant in disease. Therefore, it has been classified as a Variant of Uncertain Significance.